The following is an entry in ClinVar:

ClinVar aggregate classification (germline): Uncertain significance (1 of 4 stars; one submission).

Allele frequency attached by ClinVar (database versions not stated): gnomAD exomes below 0.00001; TOPMed below 0.00001; gnomAD 0.00001.
gnomAD v4.1: 7 of 1,612,150 alleles (0.00043%); highest among the groups gnomAD compares: Non-Finnish European, 0.00051%; no homozygotes.

Submission:

Labcorp Genetics (formerly Invitae), Labcorp
Classification: Uncertain significance. Last evaluated: 2022-11-27. Review status: criteria provided, single submitter. Criteria: Invitae Variant Classification Sherloc (09022015). Collection method: clinical testing. Allele origin: germline.
Comment: Algorithms developed to predict the effect of sequence changes on RNA splicing suggest that this variant may create or strengthen a splice site. This sequence change replaces glutamine, which is neutral and polar, with arginine, which is basic and polar, at codon 1240 of the MPDZ protein (p.Gln1240Arg). This variant is present in population databases (no rsID available, gnomAD no frequency). This variant has not been reported in the literature in individuals affected with MPDZ-related conditions. Algorithms developed to predict the effect of missense changes on protein structure and function (SIFT, PolyPhen-2, Align-GVGD) all suggest that this variant is likely to be disruptive. In summary, the available evidence is currently insufficient to determine the role of this variant in disease. Therefore, it has been classified as a Variant of Uncertain Significance.

NM_001378778.1(MPDZ):c.3719A>G (p.Gln1240Arg)

Gene: MPDZ (multiple PDZ domain crumbs cell polarity complex component; minus strand). Cytogenetic location: 9p23.
Variant type: single nucleotide variant.
Coding change: c.3719A>G on transcript NM_001378778.1 (MANE Select); coding-DNA position 3719, A replaced by G.
Protein change: p.Gln1240Arg; replaces glutamine 1240 with arginine.
Molecular consequence: missense variant. On other transcripts: intron variant (8).
Genome position (GRCh38, 1-based): chr9:13,147,570, T>C on the plus strand (A>G on the coding strand, the complement: MPDZ is on the minus strand). VCF-style: chr9-13147570-T-C. GRCh37 (hg19) VCF-style: chr9-13147569-T-C.
Other names: c.3719A>G, p.Gln1240Arg (NM_001330637.2, NM_001375413.1, NM_001375416.1 and 6 more transcripts); c.3630+2941A>G (NM_001375425.1, NM_001375420.1, NM_001375423.1 and 4 more transcripts); c.3432+2941A>G (NM_001375427.1); short protein forms Q1240R.
Identifiers: ClinVar variation 2135218 (VCV002135218.4), dbSNP rs1376110903, ClinGen allele CA372950406.
Genomic context (GRCh38, chr9:13,147,570, plus strand): 5'-GTTTGGATATGCCTACCTTGCCCTTTGTGTTCGCTTACCCTTGGTCTGTTTATAATGCTC[T>C]GTACCATAAAGACTACAGGGTTGCCTGCTTTCCGAATGGCTTCCACAGCTTGTTCATGGC-3'
Protein context (NP_001365707.1, residues 1230-1250): KAGNPVVFMV[Gln1240Arg]SIINRPRKSP